The following is an entry in ClinVar:

NM_032578.4(MYPN):c.2671del (p.Lys890_Ile891insTer)

Gene: MYPN (myopalladin; plus strand). Cytogenetic location: 10q21.3.
Variant type: Deletion.
Coding change: c.2671del on transcript NM_032578.4 (MANE Select); coding-DNA position 2671, one base deleted (A; older notation c.2671delA).
Protein change: p.Lys890_Ile891insTer.
Molecular consequence: nonsense. On other transcripts: non-coding transcript variant (1).
Genome position (GRCh38, 1-based): chr10:68,175,429, A deleted; the last of 7 consecutive A bases (chr10:68,175,423-68,175,429); deleting any one gives the same sequence. VCF-style (leftmost placement, unchanged base first): chr10-68175422-GA-G. GRCh37 (hg19) VCF-style: chr10-69935179-GA-G.
Other names: c.2671del, p.Lys890_Ile891insTer (NM_001256267.2); c.1789del, p.Lys596_Ile597insTer (NM_001256268.2).
Identifiers: ClinVar variation 4744098 (VCV004744098.1).

ClinVar aggregate classification (germline): Pathogenic (1 of 4 stars; one submission).

Conditions:
Dilated cardiomyopathy 1KK (CMD1KK). Identifiers: Orphanet 154, Orphanet 75249, MedGen C3714995, MONDO:0014100, OMIM 615248.

Submission:

Labcorp Genetics (formerly Invitae), Labcorp
Classification: Pathogenic for Dilated cardiomyopathy 1KK. Last evaluated: 2025-12-03. Review status: criteria provided, single submitter. Criteria: Invitae Variant Classification Sherloc (09022015). Collection method: clinical testing. Allele origin: germline.
Comment: This sequence change creates a premature translational stop signal (p.Ile891*) in the MYPN gene. It is expected to result in an absent or disrupted protein product. Loss-of-function variants in MYPN are known to be pathogenic (PMID: 28017374). This variant is not present in population databases (gnomAD no frequency). This variant has not been reported in the literature in individuals affected with MYPN-related conditions. For these reasons, this variant has been classified as Pathogenic.

Literature cited by the submitters: PubMed 28017374.